The following is an entry in ClinVar:

ClinVar aggregate classification (germline): Uncertain significance. Review status: criteria provided, multiple submitters, no conflicts (2 of 4 stars). 2 submissions from 2 submitters: Uncertain significance (2). Last evaluated 2024-04-16.

Allele frequency attached by ClinVar (database versions not stated): ExAC 0.00014; gnomAD 0.00032; TOPMed 0.00040; ESP Exome Variant Server 0.00044.
gnomAD v4.1: 107 of 1,551,590 alleles (0.0069%); highest among the groups gnomAD compares: African/African-American, 0.11%; no homozygotes.

Submissions (2):

Blueprint Genetics
Classification: Uncertain significance. Last evaluated: 2024-04-16. Review status: criteria provided, single submitter. Criteria: ACMG Guidelines, 2015. Collection method: clinical testing. Allele origin: germline.

Labcorp Genetics (formerly Invitae), Labcorp
Classification: Uncertain significance. Last evaluated: 2021-09-01. Review status: criteria provided, single submitter. Criteria: Invitae Variant Classification Sherloc (09022015). Collection method: clinical testing. Allele origin: germline.
Comment: This sequence change replaces arginine with histidine at codon 1675 of the LOXHD1 protein (p.Arg1675His). The arginine residue is weakly conserved and there is a small physicochemical difference between arginine and histidine. This variant is present in population databases (rs373300062, ExAC 0.1%). This variant has not been reported in the literature in individuals affected with LOXHD1-related conditions. Algorithms developed to predict the effect of missense changes on protein structure and function are either unavailable or do not agree on the potential impact of this missense change (SIFT: "Tolerated"; PolyPhen-2: "Possibly Damaging"; Align-GVGD: "Class C0"). In summary, the available evidence is currently insufficient to determine the role of this variant in disease. Therefore, it has been classified as a Variant of Uncertain Significance.

NM_001384474.1(LOXHD1):c.5024G>A (p.Arg1675His)

Gene: LOXHD1 (lipoxygenase homology PLAT domains 1; minus strand). Cytogenetic location: 18q21.1.
Variant type: single nucleotide variant.
Coding change: c.5024G>A on transcript NM_001384474.1 (MANE Select); coding-DNA position 5024, G replaced by A.
Protein change: p.Arg1675His; replaces arginine 1675 with histidine.
Molecular consequence: missense variant.
Genome position (GRCh38, 1-based): chr18:46,522,162, C>T on the plus strand (G>A on the coding strand, the complement: LOXHD1 is on the minus strand). VCF-style: chr18-46522162-C-T. GRCh37 (hg19) VCF-style: chr18-44102125-C-T.
Other names: c.1691G>A, p.Arg564His (NM_001145472.3); c.1403G>A, p.Arg468His (NM_001308013.2); c.5024G>A, p.Arg1675His (NM_144612.7); short protein forms R1675H, R468H, R564H.
Identifiers: ClinVar variation 2079490 (VCV002079490.2), dbSNP rs373300062, ClinGen allele CA8952265.
Genomic context (GRCh38, chr18:46,522,162, plus strand): 5'-TCTATTTTCTTGATGATGCCCACATCCAAGCCTGCGACGTAGAACTCCTCCACAGAGCCA[C>T]GGCTGAAGCCCCTCTTCCCTCGGGGGTAGTCCAACCAGATGCGCTTACTACGTTCATCAT-3'
Protein context (NP_001371403.1, residues 1665-1685): DYPRGKRGFS[Arg1675His]GSVEEFYVAG